The following is an entry in ClinVar:

NM_006206.6(PDGFRA):c.1448C>T (p.Thr483Ile)

Gene: PDGFRA (platelet derived growth factor receptor alpha; plus strand). Cytogenetic location: 4q12.
Variant type: single nucleotide variant.
Coding change: c.1448C>T on transcript NM_006206.6 (MANE Select); coding-DNA position 1448, C replaced by T.
Protein change: p.Thr483Ile; replaces threonine 483 with isoleucine.
Molecular consequence: missense variant.
Genome position (GRCh38, 1-based): chr4:54,273,620, C>T. VCF-style: chr4-54273620-C-T. GRCh37 (hg19) VCF-style: chr4-55139787-C-T.
Other names: c.1448C>T, p.Thr483Ile (NM_001347827.2, NM_001347829.2); c.1523C>T, p.Thr508Ile (NM_001347828.2); c.1487C>T, p.Thr496Ile (NM_001347830.2); short protein forms T508I, T496I, T483I.
Identifiers: ClinVar variation 1772839 (VCV001772839.2), dbSNP rs2110292164, ClinGen allele CA356892591.

ClinVar aggregate classification (germline): Uncertain significance (1 of 4 stars; one submission).

Conditions:
Hereditary cancer-predisposing syndrome. Also called: Hereditary Cancer Syndrome; Hereditary neoplastic syndrome; Neoplastic Syndromes, Hereditary; Tumor predisposition. Identifiers: Orphanet 140162, MedGen C0027672, MeSH D009386, MONDO:0015356.

Submission:

Ambry Genetics
Classification: Uncertain significance for Hereditary cancer-predisposing syndrome. Last evaluated: 2021-03-16. Review status: criteria provided, single submitter. Criteria: Ambry Variant Classification Scheme 2023. Collection method: clinical testing. Allele origin: germline.
Comment: The p.T483I variant (also known as c.1448C>T), located in coding exon 9 of the PDGFRA gene, results from a C to T substitution at nucleotide position 1448. The threonine at codon 483 is replaced by isoleucine, an amino acid with similar properties. This amino acid position is not well conserved in available vertebrate species. In addition, this alteration is predicted to be tolerated by in silico analysis. Since supporting evidence is limited at this time, the clinical significance of this alteration remains unclear.